The following is an entry in ClinVar:

NM_006393.3(NEBL):c.-50G>T

Gene: NEBL (nebulette; minus strand). Cytogenetic location: 10p12.31.
Variant type: single nucleotide variant.
Coding change: c.-50G>T on transcript NM_006393.3 (MANE Select); 50 bases upstream of the start codon, G replaced by T.
Molecular consequence: 5 prime UTR variant. On other transcripts: intron variant (9).
Genome position (GRCh38, 1-based): chr10:20,897,255, C>A on the plus strand (G>T on the coding strand, the complement: NEBL is on the minus strand). VCF-style: chr10-20897255-C-A. GRCh37 (hg19) VCF-style: chr10-21186184-C-A.
Other names: c.249+64417G>T (NM_001377326.1, NM_001377327.1, NM_001377328.1); c.357+64417G>T (NM_213569.2, NM_001173484.2, NM_001377322.1); c.300+64417G>T (NM_001377324.1); c.291+64417G>T (NM_001377325.1); c.309+64417G>T (NM_001377323.1).
Identifiers: ClinVar variation 518166 (VCV000518166.1), dbSNP rs1426428551, ClinGen allele CA591873742.

ClinVar aggregate classification (germline): Likely benign (1 of 4 stars; one submission).

Allele frequency attached by ClinVar (database versions not stated): gnomAD 0.00003 and 0.00001; TOPMed 0.00004; gnomAD exomes 0.00001.
gnomAD v4.1: 7 of 1,530,788 alleles (0.00046%); highest among the groups gnomAD compares: Admixed American, 0.014%; no homozygotes.

Submission:

GeneDx
Classification: Likely benign. Last evaluated: 2017-06-26. Review status: criteria provided, single submitter. Criteria: GeneDx Variant Classification (06012015). Collection method: clinical testing. Allele origin: germline. Affected: yes.
Comment: This variant is considered likely benign or benign based on one or more of the following criteria: it is a conservative change, it occurs at a poorly conserved position in the protein, it is predicted to be benign by multiple in silico algorithms, and/or has population frequency not consistent with disease.